The following is an entry in ClinVar:

ClinVar aggregate classification (germline): Uncertain significance. Review status: criteria provided, multiple submitters, no conflicts (2 of 4 stars). 2 submissions from 2 submitters: Uncertain significance (2). Last evaluated 2024-10-09.

Conditions:
Hypogonadotropic hypogonadism 1 with or without anosmia (HH1). Also called: KAL1-Related GnRH Deficiency (Kallmann Syndrome 1; Kallmann Syndrome, X-Linked); Hypogonadotropic hypogonadism 1 with or without anosmia (Kallmann syndrome 1); Kallmann syndrome, type 1, X-linked; HYPOGONADOTROPIC HYPOGONADISM 1 WITH ANOSMIA; DYSPLASIA OLFACTOGENITALIS OF DE MORSIER; HYPOGONADOTROPIC HYPOGONADISM AND ANOSMIA. Identifiers: Orphanet 478, MedGen C1563719, MONDO:0010635, OMIM 308700. Disease mechanism: loss of function.

Submissions (2):

Victorian Clinical Genetics Services, Murdoch Childrens Research Institute
Classification: Uncertain significance for Hypogonadotropic hypogonadism 1 with or without anosmia. Last evaluated: 2024-10-09. Review status: criteria provided, single submitter. Criteria: ACMG Guidelines, 2015. Collection method: clinical testing. Allele origin: germline. Inheritance: X-linked recessive inheritance. Affected: yes.
Comment: Based on the classification scheme VCGS_Germline_v1.3.4, this variant is classified as VUS-3A. Following criteria are met: 0102 - Loss of function is a known mechanism of disease in this gene and is associated with hypogonadotropic hypogonadism 1 with or without anosmia (Kallmann syndrome 1) (MIM#308700). (I) 0109 - This gene is associated with X-linked recessive disease. (I) 0200 - Variant is predicted to result in a missense amino acid change from cysteine to tyrosine. (I) 0253 - This variant is hemizygous. (I) 0301 - Variant is absent from gnomAD (both v2 and v3). (SP) 0501 - Missense variant consistently predicted to be damaging by multiple in silico tools or highly conserved with a major amino acid change. (SP) 0600 - Variant is located in the annotated Cys-box domain and disrupts a disulphide bond (DECIPHER). (I) 0705 - No comparable missense variants have previous evidence for pathogenicity. (I) 0809 - Previous evidence of pathogenicity for this variant is inconclusive. This variant has been classified as a VUS by a clinical laboratory in ClinVar. (I) 0905 - No published segregation evidence has been identified for this variant. (I) 1007 - No published functional evidence has been identified for this variant. (I) 1101 - Very strong and specific phenotype match for this individual. (SP) 1208 - Inheritance information for this variant is not currently available in this individual. (I) Legend: (SP) - Supporting pathogenic, (I) - Information, (SB) - Supporting benign

Labcorp Genetics (formerly Invitae), Labcorp
Classification: Uncertain significance for Hypogonadotropic hypogonadism 1 with or without anosmia. Last evaluated: 2017-11-18. Review status: criteria provided, single submitter. Criteria: Invitae Variant Classification Sherloc (09022015). Collection method: clinical testing. Allele origin: germline.
Comment: In summary, the available evidence is currently insufficient to determine the role of this variant in disease. Therefore, it has been classified as a Variant of Uncertain Significance. Algorithms developed to predict the effect of missense changes on protein structure and function do not agree on the potential impact of this missense change (SIFT: "Deleterious"; PolyPhen-2: "Probably Damaging"; Align-GVGD: "Class C0"). This variant has not been reported in the literature in individuals with ANOS1-related disease. This variant is not present in population databases (ExAC no frequency). This sequence change replaces cysteine with tyrosine at codon 53 of the ANOS1 protein (p.Cys53Tyr). The cysteine residue is highly conserved and there is a large physicochemical difference between cysteine and tyrosine.

NM_000216.4(ANOS1):c.158G>A (p.Cys53Tyr)

Gene: ANOS1 (anosmin 1; minus strand). Cytogenetic location: Xp22.31.
Variant type: single nucleotide variant.
Coding change: c.158G>A on transcript NM_000216.4 (MANE Select); coding-DNA position 158, G replaced by A.
Protein change: p.Cys53Tyr; replaces cysteine 53 with tyrosine.
Molecular consequence: missense variant.
Genome position (GRCh38, 1-based): chrX:8,731,879, C>T on the plus strand (G>A on the coding strand, the complement: ANOS1 is on the minus strand). VCF-style: chrX-8731879-C-T. GRCh37 (hg19) VCF-style: chrX-8699920-C-T.
Other names: c.158G>A (NM_000216.3); short protein forms C53Y.
Identifiers: ClinVar variation 532309 (VCV000532309.9), dbSNP rs1555904582, ClinGen allele CA412024355.